The following is an entry in ClinVar:

ClinVar aggregate classification (germline): Uncertain significance (1 of 4 stars; one submission).

Conditions:
KIF1A related neurological disorder. Identifiers: MedGen CN312623, MONDO:0700055.

Allele frequency attached by ClinVar (database versions not stated): gnomAD exomes below 0.00001; gnomAD 0.00001.
gnomAD v4.1: 6 of 1,540,552 alleles (0.00039%); highest among the groups gnomAD compares: Non-Finnish European, 0.00044%; no homozygotes.

Submission:

Victorian Clinical Genetics Services, Murdoch Childrens Research Institute
Classification: Uncertain significance for KIF1A related neurological disorder. Last evaluated: 2020-05-21. Review status: criteria provided, single submitter. Criteria: ACMG Guidelines, 2015. Collection method: clinical testing. Allele origin: germline. Affected: yes.
Comment: A heterozygous missense variant, NM_004321.7(KIF1A):c.4172C>A, has been identified in exon 41 of 47 of the KIF1A gene. The variant is predicted to result in a minor amino acid change from threonine to asparagine at position 1391 of the protein (NP_004312.2 (KIF1A):p.(Thr1391Asn)). The threonine at this position has very high conservation (100 vertebrates, UCSC), but is not located within a well established functional domain. In silico predictions for this variant are consistently pathogenic (Polyphen, SIFT, CADD, Mutation Taster). The variant is absent in population databases (gnomAD). This variant has not been previously reported in clinical cases. Based on the information available at the time of curation, this variant has been classified as VARIANT of UNCERTAIN SIGNIFICANCE (VUS) with POTENTIAL CLINICAL RELEVANCE. Updated after segregation (MT): A heterozygous missense variant, NM_004321.7(KIF1A):c.4172C>A, has been identified in exon 41 of 47 of the KIF1A gene. The variant is predicted to result in a minor amino acid change from threonine to asparagine at position 1391 of the protein (NP_004312.2 (KIF1A):p.(Thr1391Asn)). The threonine at this position has very high conservation (100 vertebrates, UCSC), but is not located within a well established functional domain. In silico predictions for this variant are consistently pathogenic (Polyphen, SIFT, CADD, Mutation Taster). The variant is absent in population databases (gnomAD). This variant has not been previously reported in clinical cases. Based on the information available at the time of curation, this variant has been classified as VARIANT of UNCERTAIN SIGNIFICANCE (VUS) with LOW CLINICAL RELEVANCE.

NM_001244008.2(KIF1A):c.4475C>A (p.Thr1492Asn)

Gene: KIF1A (kinesin family member 1A; minus strand). Cytogenetic location: 2q37.3.
Variant type: single nucleotide variant.
Coding change: c.4475C>A on transcript NM_001244008.2 (MANE Select); coding-DNA position 4475, C replaced by A.
Protein change: p.Thr1492Asn; replaces threonine 1492 with asparagine.
Molecular consequence: missense variant.
Genome position (GRCh38, 1-based): chr2:240,722,646, G>T on the plus strand (C>A on the coding strand, the complement: KIF1A is on the minus strand). VCF-style: chr2-240722646-G-T. GRCh37 (hg19) VCF-style: chr2-241662063-G-T.
Other names: c.4199C>A, p.Thr1400Asn (NM_001320705.2, NM_001379649.1); c.4226C>A, p.Thr1409Asn (NM_001330289.2); c.4274C>A, p.Thr1425Asn (NM_001330290.2, NM_001379648.1); c.4550C>A, p.Thr1517Asn (NM_001379631.1); c.4451C>A, p.Thr1484Asn (NM_001379632.1); c.4448C>A, p.Thr1483Asn (NM_001379633.1, NM_001379645.1); c.4301C>A, p.Thr1434Asn (NM_001379634.1); c.4298C>A, p.Thr1433Asn (NM_001379635.1, NM_001379646.1); and 7 more; short protein forms T1390N, T1391N, T1399N, T1400N, T1408N, T1409N, T1416N, T1425N.
Identifiers: ClinVar variation 3254582 (VCV003254582.1), dbSNP rs1446691513.